The following is an entry in ClinVar:

ClinVar aggregate classification (germline): Uncertain significance (1 of 4 stars; one submission).

Conditions:
Leber congenital amaurosis 4 (LCA4). Identifiers: MedGen C1858386, MONDO:0011458, OMIM 604393.

Submission:

Labcorp Genetics (formerly Invitae), Labcorp
Classification: Uncertain significance for Leber congenital amaurosis 4. Last evaluated: 2022-01-11. Review status: criteria provided, single submitter. Criteria: Invitae Variant Classification Sherloc (09022015). Collection method: clinical testing. Allele origin: germline.
Comment: This sequence change replaces methionine, which is neutral and non-polar, with threonine, which is neutral and polar, at codon 40 of the AIPL1 protein (p.Met40Thr). This variant is not present in population databases (gnomAD no frequency). This variant has not been reported in the literature in individuals affected with AIPL1-related conditions. Algorithms developed to predict the effect of missense changes on protein structure and function output the following: SIFT: "Tolerated"; PolyPhen-2: "Benign"; Align-GVGD: "Class C0". The threonine amino acid residue is found in multiple mammalian species, which suggests that this missense change does not adversely affect protein function. In summary, the available evidence is currently insufficient to determine the role of this variant in disease. Therefore, it has been classified as a Variant of Uncertain Significance.

NM_014336.5(AIPL1):c.119T>C (p.Met40Thr)

Gene: AIPL1 (AIP like 1 HSP90 co-chaperone; minus strand). Cytogenetic location: 17p13.2.
Variant type: single nucleotide variant.
Coding change: c.119T>C on transcript NM_014336.5 (MANE Select); coding-DNA position 119, T replaced by C.
Protein change: p.Met40Thr; replaces methionine 40 with threonine.
Molecular consequence: missense variant. On other transcripts: initiator codon variant (1), intron variant (3).
Genome position (GRCh38, 1-based): chr17:6,434,076, A>G on the plus strand (T>C on the coding strand, the complement: AIPL1 is on the minus strand). VCF-style: chr17-6434076-A-G. GRCh37 (hg19) VCF-style: chr17-6337396-A-G.
Other names: c.119T>C, p.Met40Thr (NM_001033054.3, NM_001285401.3, NM_001285403.4); c.2T>C, p.Met1Thr (NM_001285402.2); c.96+933T>C (NM_001033055.3); c.97-44T>C (NM_001285400.3); c.97-14T>C (NM_001285399.3); short protein forms M1T, M40T.
Identifiers: ClinVar variation 1951304 (VCV001951304.3), dbSNP rs1912918119, ClinGen allele CA397397677.